The following is an entry in ClinVar:

ClinVar aggregate classification (germline): Likely benign (1 of 4 stars; one submission).

Allele frequency attached by ClinVar (database versions not stated): 1000 Genomes Project 0.00439; 1000 Genomes Project 30x 0.00453; gnomAD 0.00467; TOPMed 0.00535.
gnomAD v4.1: 703 of 152,340 alleles (0.46%); highest among the groups gnomAD compares: African/African-American, 1.6%; 5 homozygotes.

Submission:

GeneDx
Classification: Likely benign. Last evaluated: 2020-09-01. Review status: criteria provided, single submitter. Criteria: GeneDx Variant Classification Process June 2021. Collection method: clinical testing. Allele origin: germline. Affected: yes.
Comment: See Variant Classification Assertion Criteria.

NM_001378183.1(PIEZO2):c.7952+165T>C

Gene: PIEZO2 (piezo type mechanosensitive ion channel component 2; minus strand). Cytogenetic location: 18p11.22.
Variant type: single nucleotide variant.
Coding change: c.7952+165T>C on transcript NM_001378183.1 (MANE Select); 165 bases into the intron after coding-DNA position 7952, T replaced by C.
Molecular consequence: intron variant.
Genome position (GRCh38, 1-based): chr18:10,680,034, A>G on the plus strand (T>C on the coding strand, the complement: PIEZO2 is on the minus strand). VCF-style: chr18-10680034-A-G. GRCh37 (hg19) VCF-style: chr18-10680031-A-G.
Other names: c.7613+165T>C (NM_022068.4).
Identifiers: ClinVar variation 1706831 (VCV001706831.2), dbSNP rs79463403, ClinGen allele CA295982334.
Genomic context (GRCh38, chr18:10,680,034, plus strand): 5'-ACTGAGAAGTTCTTAGTCTGGTTAGTGATTCCTAGGCAAGTCATTATTTAATACATAAAA[A>G]TGTTAGCTTTGGCATTGAAGGTAAGTTCCCAAGGCTATAATGATAAAGTAAGATCCACAT-3'